The following is an entry in ClinVar:

ClinVar aggregate classification (germline): Uncertain significance (1 of 4 stars; one submission).

Allele frequency attached by ClinVar (database versions not stated): ExAC 0.00001; gnomAD 0.00001; gnomAD exomes 0.00001; TOPMed 0.00001.
gnomAD v4.1: 14 of 1,613,936 alleles (0.00087%); highest among the groups gnomAD compares: Admixed American, 0.0083%; no homozygotes.

Submission:

Labcorp Genetics (formerly Invitae), Labcorp
Classification: Uncertain significance. Last evaluated: 2025-06-12. Review status: criteria provided, single submitter. Criteria: Invitae Variant Classification Sherloc (09022015). Collection method: clinical testing. Allele origin: germline.
Comment: This sequence change replaces arginine, which is basic and polar, with serine, which is neutral and polar, at codon 446 of the SHPK protein (p.Arg446Ser). This variant is present in population databases (rs759987504, gnomAD 0.003%). This variant has not been reported in the literature in individuals affected with SHPK-related conditions. ClinVar contains an entry for this variant (Variation ID: 1435117). An algorithm developed to predict the effect of missense changes on protein structure and function (PolyPhen-2) suggests that this variant is likely to be disruptive. In summary, the available evidence is currently insufficient to determine the role of this variant in disease. Therefore, it has been classified as a Variant of Uncertain Significance.

NM_013276.4(SHPK):c.1338G>T (p.Arg446Ser)

Gene: SHPK (sedoheptulokinase; minus strand). Cytogenetic location: 17p13.2.
Variant type: single nucleotide variant.
Coding change: c.1338G>T on transcript NM_013276.4 (MANE Select); coding-DNA position 1338, G replaced by T.
Protein change: p.Arg446Ser; replaces arginine 446 with serine.
Molecular consequence: missense variant.
Genome position (GRCh38, 1-based): chr17:3,610,659, C>A on the plus strand (G>T on the coding strand, the complement: SHPK is on the minus strand). VCF-style: chr17-3610659-C-A. GRCh37 (hg19) VCF-style: chr17-3513953-C-A.
Other names: short protein forms R446S.
Identifiers: ClinVar variation 1435117 (VCV001435117.6), dbSNP rs759987504, ClinGen allele CA8291037.